The following is an entry in ClinVar:

NM_020975.6(RET):c.2121T>G (p.Asp707Glu)

Gene: RET (ret proto-oncogene; plus strand). Cytogenetic location: 10q11.21.
Variant type: single nucleotide variant.
Coding change: c.2121T>G on transcript NM_020975.6 (MANE Select); coding-DNA position 2121, T replaced by G.
Protein change: p.Asp707Glu; replaces aspartic acid 707 with glutamic acid.
Molecular consequence: missense variant.
Genome position (GRCh38, 1-based): chr10:43,114,721, T>G. VCF-style: chr10-43114721-T-G. GRCh37 (hg19) VCF-style: chr10-43610169-T-G.
Other names: c.2121T>G, p.Asp707Glu (NM_001406743.1, NM_001406744.1, NM_001406759.1 and 2 more transcripts); c.1992T>G, p.Asp664Glu (NM_001406761.1, NM_001406762.1, NM_001406764.1); c.1986T>G, p.Asp662Glu (NM_001406763.1, NM_001406765.1); c.1395T>G, p.Asp465Glu (NM_001406776.1, NM_001406777.1, NM_001406778.1 and 1 more transcripts); c.1224T>G, p.Asp408Glu (NM_001406779.1, NM_001406780.1, NM_001406781.1 and 1 more transcripts); c.1095T>G, p.Asp365Glu (NM_001406783.1, NM_001406786.1); c.1131T>G, p.Asp377Glu (NM_001406784.1); c.1359T>G, p.Asp453Glu (NM_001355216.2); and 10 more; short protein forms D363E, D465E, D532E, D561E, D611E, D575E, D664E, D312E.
Identifiers: ClinVar variation 4825615 (VCV004825615.1).

ClinVar aggregate classification (germline): Uncertain significance (1 of 4 stars; one submission).

Conditions:
Hereditary cancer-predisposing syndrome. Also called: Neoplastic Syndromes, Hereditary; Tumor predisposition; Hereditary Cancer Syndrome; Hereditary neoplastic syndrome. Identifiers: Orphanet 140162, MedGen C0027672, MeSH D009386, MONDO:0015356.

Submission:

Ambry Genetics
Classification: Uncertain significance for Hereditary cancer-predisposing syndrome. Last evaluated: 2026-01-16. Review status: criteria provided, single submitter. Criteria: Ambry Variant Classification Scheme 2023. Collection method: clinical testing. Allele origin: germline.
Comment: The p.D707E variant (also known as c.2121T>G), located in coding exon 11 of the RET gene, results from a T to G substitution at nucleotide position 2121. The aspartic acid at codon 707 is replaced by glutamic acid, an amino acid with highly similar properties. This amino acid position is well conserved in available vertebrate species. In addition, this alteration is predicted to be tolerated by in silico analysis. Based on the available evidence, the clinical significance of this variant remains unclear.